The following is an entry in ClinVar:

ClinVar aggregate classification (germline): Benign (1 of 4 stars; one submission).

Conditions:
Familial cancer of breast. Also called: Hereditary breast cancer; hereditary breast carcinoma; BREAST CANCER, FAMILIAL. Identifiers: Orphanet 227535, MedGen C0346153, MONDO:0016419, OMIM 114480. Disease mechanism: loss of function.

Submission:

Myriad Genetics, Inc.
Classification: Benign for Familial cancer of breast. Last evaluated: 2025-01-13. Review status: criteria provided, single submitter. Criteria: Myriad Autosomal Dominant, Autosomal Recessive and X-Linked Classification Criteria (2023). Collection method: clinical testing. Allele origin: unknown.
Comment: This variant is considered benign. This variant is a silent/synonymous amino acid change and it is not expected to impact splicing.

NM_024675.4(PALB2):c.1297T>C (p.Leu433=)

Gene: PALB2 (partner and localizer of BRCA2; minus strand). Cytogenetic location: 16p12.2.
Variant type: single nucleotide variant.
Coding change: c.1297T>C on transcript NM_024675.4 (MANE Select); coding-DNA position 1297, T replaced by C.
Protein change: p.Leu433=; no amino-acid change (leucine 433 retained).
Molecular consequence: synonymous variant. On other transcripts: intron variant (3).
Genome position (GRCh38, 1-based): chr16:23,635,249, A>G on the plus strand (T>C on the coding strand, the complement: PALB2 is on the minus strand). VCF-style: chr16-23635249-A-G. GRCh37 (hg19) VCF-style: chr16-23646570-A-G.
Other names: c.412T>C, p.Leu138= (NM_001407309.1, NM_001407310.1, NM_001407311.1 and 5 more transcripts); c.48+5861T>C (NM_001407314.1); c.-104-4780T>C (NM_001407313.1, NM_001407312.1); c.1237T>C, p.Leu413= (NM_001407296.1); c.1297T>C, p.Leu433= (NM_001407297.1, NM_001407298.1, NM_001407299.1 and 3 more transcripts).
Identifiers: ClinVar variation 3903660 (VCV003903660.1).